The following is an entry in ClinVar:

ClinVar aggregate classification (germline): Pathogenic (1 of 4 stars; one submission).

Conditions:
Familial cancer of breast. Also called: BREAST CANCER, FAMILIAL; Hereditary breast cancer; hereditary breast carcinoma. Identifiers: Orphanet 227535, MedGen C0346153, MONDO:0016419, OMIM 114480. Disease mechanism: loss of function.

Submission:

Labcorp Genetics (formerly Invitae), Labcorp
Classification: Pathogenic for Familial cancer of breast. Last evaluated: 2021-06-05. Review status: criteria provided, single submitter. Criteria: Invitae Variant Classification Sherloc (09022015). Collection method: clinical testing. Allele origin: germline.
Comment: This sequence change creates a premature translational stop signal (p.Ser183Valfs*10) in the PALB2 gene. It is expected to result in an absent or disrupted protein product. Loss-of-function variants in PALB2 are known to be pathogenic (PMID: 17200668, 24136930, 25099575). This variant is not present in population databases (ExAC no frequency). This variant has not been reported in the literature in individuals with PALB2-related conditions. For these reasons, this variant has been classified as Pathogenic.

Literature cited by the submitters: PubMed 17200668; PubMed 24136930; PubMed 25099575.

NM_024675.4(PALB2):c.547del (p.Ser183fs)

Gene: PALB2 (partner and localizer of BRCA2; minus strand). Cytogenetic location: 16p12.2.
Variant type: Deletion.
Coding change: c.547del on transcript NM_024675.4 (MANE Select); coding-DNA position 547, one base deleted (A; older notation c.547delA).
Protein change: p.Ser183fs; shifts the reading frame from serine 183.
Molecular consequence: frameshift variant.
Genome position (GRCh38, 1-based): chr16:23,635,999, T deleted on the plus strand (A on the coding strand, the reverse complement: PALB2 is on the minus strand). VCF-style (leftmost placement, unchanged base first): chr16-23635998-CT-C. GRCh37 (hg19) VCF-style: chr16-23647319-CT-C.
Other names: short protein forms S183fs.
Identifiers: ClinVar variation 1449921 (VCV001449921.7), dbSNP rs2142440747, ClinGen allele CA2573152211.